The following is an entry in ClinVar:

NM_000238.4(KCNH2):c.2794T>C (p.Ser932Pro)

Gene: KCNH2 (potassium voltage-gated channel subfamily H member 2; minus strand). Cytogenetic location: 7q36.1.
Variant type: single nucleotide variant.
Coding change: c.2794T>C on transcript NM_000238.4 (MANE Select); coding-DNA position 2794, T replaced by C.
Protein change: p.Ser932Pro; replaces serine 932 with proline.
Molecular consequence: missense variant.
Genome position (GRCh38, 1-based): chr7:150,947,777, A>G on the plus strand (T>C on the coding strand, the complement: KCNH2 is on the minus strand). VCF-style: chr7-150947777-A-G. GRCh37 (hg19) VCF-style: chr7-150644865-A-G.
Other names: c.1774T>C, p.Ser592Pro (NM_172057.3); short protein forms S592P, S932P.
Identifiers: ClinVar variation 942612 (VCV000942612.9), dbSNP rs1800966532, ClinGen allele CA369853391.

ClinVar aggregate classification (germline): Uncertain significance (1 of 4 stars; one submission).

Conditions:
Long QT syndrome (LQTS). Identifiers: MedGen C0023976, MeSH D008133, MONDO:0002442. Disease mechanism: loss of function. Inheritance: Various modes of inheritance.

Allele frequency attached by ClinVar (database versions not stated): gnomAD exomes below 0.00001; gnomAD 0.00001.
gnomAD v4.1: 2 of 1,537,074 alleles (0.00013%); highest among the groups gnomAD compares: East Asian, 0.0024%; no homozygotes.

Submission:

Labcorp Genetics (formerly Invitae), Labcorp
Classification: Uncertain significance for Long QT syndrome. Last evaluated: 2019-06-13. Review status: criteria provided, single submitter. Criteria: Invitae Variant Classification Sherloc (09022015). Collection method: clinical testing. Allele origin: germline.
Comment: This sequence change replaces serine with proline at codon 932 of the KCNH2 protein (p.Ser932Pro). The serine residue is moderately conserved and there is a moderate physicochemical difference between serine and proline. In summary, the available evidence is currently insufficient to determine the role of this variant in disease. Therefore, it has been classified as a Variant of Uncertain Significance. Algorithms developed to predict the effect of missense changes on protein structure and function are either unavailable or do not agree on the potential impact of this missense change (SIFT: "Deleterious"; PolyPhen-2: "Possibly Damaging"; Align-GVGD: "Class C0"). This variant has not been reported in the literature in individuals with KCNH2-related conditions. The frequency data for this variant in the population databases is considered unreliable, as metrics indicate insufficient coverage at this position in the ExAC database.